The following is an entry in ClinVar:

NM_007186.6(CEP250):c.4641C>A (p.Asp1547Glu)

Gene: CEP250 (centrosomal protein 250; plus strand). Cytogenetic location: 20q11.22.
Variant type: single nucleotide variant.
Coding change: c.4641C>A on transcript NM_007186.6 (MANE Select); coding-DNA position 4641, C replaced by A.
Protein change: p.Asp1547Glu; replaces aspartic acid 1547 with glutamic acid.
Molecular consequence: missense variant.
Genome position (GRCh38, 1-based): chr20:35,503,010, C>A. VCF-style: chr20-35503010-C-A. GRCh37 (hg19) VCF-style: chr20-34090838-C-A.
Other names: c.4641C>A (NM_007186.3); c.2745C>A, p.Asp915Glu (NM_001318219.1); short protein forms D1547E, D915E.
Identifiers: ClinVar variation 1464799 (VCV001464799.7), dbSNP rs756300112, ClinGen allele CA9833746.

ClinVar aggregate classification (germline): Uncertain significance. Review status: criteria provided, multiple submitters, no conflicts (2 of 4 stars). 2 submissions from 2 submitters: Uncertain significance (2). Last evaluated 2024-09-06.

Allele frequency attached by ClinVar (database versions not stated): TOPMed below 0.00001; gnomAD exomes 0.00001 and 0.00004; ExAC 0.00003.
gnomAD v4.1: 4 of 1,614,120 alleles (0.00025%); highest among the groups gnomAD compares: East Asian, 0.0089%; no homozygotes.

Submissions (2):

Ambry Genetics
Classification: Uncertain significance. Last evaluated: 2024-09-06. Review status: criteria provided, single submitter. Criteria: Ambry Variant Classification Scheme 2023. Collection method: clinical testing. Allele origin: germline.

Labcorp Genetics (formerly Invitae), Labcorp
Classification: Uncertain significance. Last evaluated: 2023-05-13. Review status: criteria provided, single submitter. Criteria: Invitae Variant Classification Sherloc (09022015). Collection method: clinical testing. Allele origin: germline.
Comment: This sequence change replaces aspartic acid, which is acidic and polar, with glutamic acid, which is acidic and polar, at codon 1547 of the CEP250 protein (p.Asp1547Glu). In summary, the available evidence is currently insufficient to determine the role of this variant in disease. Therefore, it has been classified as a Variant of Uncertain Significance. An algorithm developed to predict the effect of missense changes on protein structure and function (PolyPhen-2) suggests that this variant is likely to be disruptive. ClinVar contains an entry for this variant (Variation ID: 1464799). This variant has not been reported in the literature in individuals affected with CEP250-related conditions. This variant is present in population databases (rs756300112, gnomAD 0.05%).